The following is an entry in ClinVar:

NM_138420.4(AHNAK2):c.16746T>C (p.Asn5582=)

Gene: AHNAK2 (AHNAK nucleoprotein 2; minus strand). Cytogenetic location: 14q32.33.
Variant type: single nucleotide variant.
Coding change: c.16746T>C on transcript NM_138420.4 (MANE Select); coding-DNA position 16746, T replaced by C.
Protein change: p.Asn5582=; no amino-acid change (asparagine 5582 retained).
Molecular consequence: synonymous variant.
Genome position (GRCh38, 1-based): chr14:104,938,705, A>G on the plus strand (T>C on the coding strand, the complement: AHNAK2 is on the minus strand). VCF-style: chr14-104938705-A-G. GRCh37 (hg19) VCF-style: chr14-105405042-A-G.
Other names: c.16446T>C, p.Asn5482= (NM_001350929.2).
Identifiers: ClinVar variation 2644629 (VCV002644629.24), dbSNP rs201233696, ClinGen allele CA7377248.

ClinVar aggregate classification (germline): Likely benign (1 of 4 stars; one submission).

Allele frequency attached by ClinVar (database versions not stated): ExAC 0.00010; gnomAD 0.00019; gnomAD exomes 0.00019; 1000 Genomes Project 30x 0.00031; TOPMed 0.00032.
gnomAD v4.1: 314 of 1,613,432 alleles (0.019%); highest among the groups gnomAD compares: Admixed American, 0.073%; no homozygotes.

Submission:

CeGaT Center for Human Genetics Tuebingen
Classification: Likely benign. Last evaluated: 2022-04-01. Review status: criteria provided, single submitter. Criteria: CeGaT Center For Human Genetics Tuebingen Variant Classification Criteria Version 2. Collection method: clinical testing. Allele origin: germline. Affected: yes. Observed: 1 variant allele.
Comment: AHNAK2: BP4, BP7